The following is an entry in ClinVar:

NM_001453.3(FOXC1):c.745G>C (p.Gly249Arg)

Gene: FOXC1 (forkhead box C1; plus strand). Cytogenetic location: 6p25.3.
Variant type: single nucleotide variant.
Coding change: c.745G>C on transcript NM_001453.3 (MANE Select); coding-DNA position 745, G replaced by C.
Protein change: p.Gly249Arg; replaces glycine 249 with arginine.
Molecular consequence: missense variant.
Genome position (GRCh38, 1-based): chr6:1,611,190, G>C. VCF-style: chr6-1611190-G-C. GRCh37 (hg19) VCF-style: chr6-1611425-G-C.
Other names: short protein forms G249R.
Identifiers: ClinVar variation 2559774 (VCV002559774.5), dbSNP rs1561675271, ClinGen allele CA362559478.

ClinVar aggregate classification (germline): Uncertain significance. Review status: criteria provided, multiple submitters, no conflicts (2 of 4 stars). 2 submissions from 2 submitters: Uncertain significance (2). Last evaluated 2024-02-29.

Conditions:
Inborn genetic diseases. Identifiers: MedGen C0950123, MeSH D030342.
Axenfeld-Rieger syndrome type 3 (RIEG3). Also called: AXENFELD-RIEGER ANOMALY WITH CARDIAC DEFECTS AND/OR SENSORINEURAL HEARING LOSS. Identifiers: Orphanet 782, MedGen C2678503, MONDO:0011233, OMIM 602482.

Submissions (2):

Labcorp Genetics (formerly Invitae), Labcorp
Classification: Uncertain significance for Axenfeld-Rieger syndrome type 3. Last evaluated: 2024-02-29. Review status: criteria provided, single submitter. Criteria: Invitae Variant Classification Sherloc (09022015). Collection method: clinical testing. Allele origin: germline.
Comment: This sequence change replaces glycine, which is neutral and non-polar, with arginine, which is basic and polar, at codon 249 of the FOXC1 protein (p.Gly249Arg). This variant is not present in population databases (gnomAD no frequency). This variant has not been reported in the literature in individuals affected with FOXC1-related conditions. ClinVar contains an entry for this variant (Variation ID: 2559774). An algorithm developed to predict the effect of missense changes on protein structure and function (PolyPhen-2) suggests that this variant is likely to be tolerated. In summary, the available evidence is currently insufficient to determine the role of this variant in disease. Therefore, it has been classified as a Variant of Uncertain Significance.

Ambry Genetics
Classification: Uncertain significance for Inborn genetic diseases. Last evaluated: 2023-06-12. Review status: criteria provided, single submitter. Criteria: Ambry Variant Classification Scheme 2023. Collection method: clinical testing. Allele origin: germline.